The following is an entry in ClinVar:

ClinVar aggregate classification (germline): Pathogenic (1 of 4 stars; one submission).

Conditions:
Alstrom syndrome (ALMS). Identifiers: Orphanet 64, MedGen C0268425, MONDO:0008763, OMIM 203800.

Submission:

Labcorp Genetics (formerly Invitae), Labcorp
Classification: Pathogenic for Alstrom syndrome. Last evaluated: 2023-11-28. Review status: criteria provided, single submitter. Criteria: Invitae Variant Classification Sherloc (09022015). Collection method: clinical testing. Allele origin: germline.
Comment: This variant is a gross deletion of the genomic region encompassing exon(s) 8-9 of the ALMS1 gene. This deletion is out-of-frame, and is expected to create a premature termination codon and result in an absent or disrupted protein product. Loss-of-function variants in ALMS1 are known to be pathogenic (PMID: 17594715). This variant has not been reported in the literature in individuals affected with ALMS1-related conditions. For these reasons, this variant has been classified as Pathogenic.

Literature cited by the submitters: PubMed 17594715.

NC_000002.11:g.(?_73675070)_(73682442_?)del

Gene: ALMS1 (ALMS1 centrosome and basal body associated protein; plus strand). Cytogenetic location: 2p13.1.
Variant type: Deletion.
Identifiers: ClinVar variation 2426073 (VCV002426073.4).